The following is an entry in ClinVar:

ClinVar aggregate classification (germline): Uncertain significance (1 of 4 stars; one submission).

Conditions:
Emery-Dreifuss muscular dystrophy 5, autosomal dominant (EDMD5). Also called: EMERY-DREIFUSS MUSCULAR DYSTROPHY 5. Identifiers: Orphanet 261, MedGen C2751805, MONDO:0013072, OMIM 612999.

Submission:

Labcorp Genetics (formerly Invitae), Labcorp
Classification: Uncertain significance for Emery-Dreifuss muscular dystrophy 5, autosomal dominant. Last evaluated: 2025-07-31. Review status: criteria provided, single submitter. Criteria: Invitae Variant Classification Sherloc (09022015). Collection method: clinical testing. Allele origin: germline.
Comment: This sequence change replaces isoleucine, which is neutral and non-polar, with leucine, which is neutral and non-polar, at codon 3801 of the SYNE2 protein (p.Ile3801Leu). This variant is not present in population databases (gnomAD no frequency). This variant has not been reported in the literature in individuals affected with SYNE2-related conditions. An algorithm developed to predict the effect of missense changes on protein structure and function (PolyPhen-2) suggests that this variant is likely to be tolerated. In summary, the available evidence is currently insufficient to determine the role of this variant in disease. Therefore, it has been classified as a Variant of Uncertain Significance.

NM_182914.3(SYNE2):c.11401A>T (p.Ile3801Leu)

Gene: SYNE2 (spectrin repeat containing nuclear envelope protein 2; plus strand). Cytogenetic location: 14q23.2.
Variant type: single nucleotide variant.
Coding change: c.11401A>T on transcript NM_182914.3 (MANE Select); coding-DNA position 11401, A replaced by T.
Protein change: p.Ile3801Leu; replaces isoleucine 3801 with leucine.
Molecular consequence: missense variant.
Genome position (GRCh38, 1-based): chr14:64,081,497, A>T. VCF-style: chr14-64081497-A-T. GRCh37 (hg19) VCF-style: chr14-64548215-A-T.
Other names: c.11401A>T, p.Ile3801Leu (NM_015180.6); short protein forms I3801L.
Identifiers: ClinVar variation 4723548 (VCV004723548.1).